The following is an entry in ClinVar:

ClinVar aggregate classification (germline): Conflicting classifications of pathogenicity. Review status: criteria provided, conflicting classifications (1 of 4 stars). 2 submissions from 2 submitters: Uncertain significance (1); Likely benign (1). Last evaluated 2025-01-06.

Allele frequency attached by ClinVar (database versions not stated): ExAC 0.00006; gnomAD 0.00007; TOPMed 0.00007; 1000 Genomes Project 30x 0.00016; 1000 Genomes Project 0.00020.
gnomAD v4.1: 81 of 1,613,656 alleles (0.005%); highest among the groups gnomAD compares: East Asian, 0.047%; no homozygotes.

Submissions (2):

Labcorp Genetics (formerly Invitae), Labcorp
Classification: Uncertain significance. Last evaluated: 2025-01-06. Review status: criteria provided, single submitter. Criteria: Invitae Variant Classification Sherloc (09022015). Collection method: clinical testing. Allele origin: germline.
Comment: This sequence change replaces alanine, which is neutral and non-polar, with threonine, which is neutral and polar, at codon 35 of the C8A protein (p.Ala35Thr). This variant is present in population databases (rs201034819, gnomAD 0.03%). This variant has not been reported in the literature in individuals affected with C8A-related conditions. ClinVar contains an entry for this variant (Variation ID: 2063157). An algorithm developed to predict the effect of missense changes on protein structure and function outputs the following: PolyPhen-2: "Benign". The threonine amino acid residue is found in multiple mammalian species, which suggests that this missense change does not adversely affect protein function. In summary, the available evidence is currently insufficient to determine the role of this variant in disease. Therefore, it has been classified as a Variant of Uncertain Significance.

Ambry Genetics
Classification: Likely benign. Last evaluated: 2024-02-05. Review status: criteria provided, single submitter. Criteria: Ambry Variant Classification Scheme 2023. Collection method: clinical testing. Allele origin: germline.

NM_000562.3(C8A):c.103G>A (p.Ala35Thr)

Gene: C8A (complement C8 alpha chain; plus strand). Cytogenetic location: 1p32.2.
Variant type: single nucleotide variant.
Coding change: c.103G>A on transcript NM_000562.3 (MANE Select); coding-DNA position 103, G replaced by A.
Protein change: p.Ala35Thr; replaces alanine 35 with threonine.
Molecular consequence: missense variant.
Genome position (GRCh38, 1-based): chr1:56,867,634, G>A. VCF-style: chr1-56867634-G-A. GRCh37 (hg19) VCF-style: chr1-57333307-G-A.
Other names: short protein forms A35T.
Identifiers: ClinVar variation 2063157 (VCV002063157.4), dbSNP rs201034819, ClinGen allele CA874919.